The following is an entry in ClinVar:

NM_173689.7(CRB2):c.3686C>T (p.Ala1229Val)

Gene: CRB2 (crumbs cell polarity complex component 2; plus strand). Cytogenetic location: 9q33.3.
Variant type: single nucleotide variant.
Coding change: c.3686C>T on transcript NM_173689.7 (MANE Select); coding-DNA position 3686, C replaced by T.
Protein change: p.Ala1229Val; replaces alanine 1229 with valine.
Molecular consequence: missense variant. On other transcripts: non-coding transcript variant (1).
Genome position (GRCh38, 1-based): chr9:123,376,890, C>T. VCF-style: chr9-123376890-C-T. GRCh37 (hg19) VCF-style: chr9-126139169-C-T.
Other names: short protein forms A1229V.
Identifiers: ClinVar variation 2500588 (VCV002500588.1), dbSNP rs368208593, ClinGen allele CA199643037.

ClinVar aggregate classification (germline): Uncertain significance (1 of 4 stars; one submission).

Allele frequency attached by ClinVar (database versions not stated): gnomAD exomes below 0.00001; TOPMed 0.00001; gnomAD 0.00002.
gnomAD v4.1: 4 of 1,610,082 alleles (0.00025%); highest among the groups gnomAD compares: African/African-American, 0.0053%; no homozygotes.

Submission:

GeneDx
Classification: Uncertain significance. Last evaluated: 2022-10-31. Review status: criteria provided, single submitter. Criteria: GeneDx Variant Classification Process June 2021. Collection method: clinical testing. Allele origin: germline. Affected: yes.
Comment: Not observed at significant frequency in large population cohorts (gnomAD); In silico analysis supports that this missense variant does not alter protein structure/function; Has not been previously published as pathogenic or benign to our knowledge